The following is an entry in ClinVar:

ClinVar aggregate classification (germline): Uncertain significance (1 of 4 stars; one submission).

Allele frequency attached by ClinVar (database versions not stated): TOPMed 0.00001; ExAC 0.00003; gnomAD exomes 0.00003 and 0.00006.
gnomAD v4.1: 17 of 1,614,072 alleles (0.0011%); highest among the groups gnomAD compares: Admixed American, 0.028%; no homozygotes.

Submission:

Labcorp Genetics (formerly Invitae), Labcorp
Classification: Uncertain significance. Last evaluated: 2026-01-31. Review status: criteria provided, single submitter. Criteria: Invitae Variant Classification Sherloc (09022015). Collection method: clinical testing. Allele origin: germline.
Comment: This sequence change replaces phenylalanine, which is neutral and non-polar, with leucine, which is neutral and non-polar, at codon 519 of the CDH2 protein (p.Phe519Leu). This variant is present in population databases (rs771020355, gnomAD 0.04%), and has an allele count higher than expected for a pathogenic variant. This variant has not been reported in the literature in individuals affected with CDH2-related conditions. ClinVar contains an entry for this variant (Variation ID: 1418894). An algorithm developed to predict the effect of missense changes on protein structure and function outputs the following: PolyPhen-2: "Probably Damaging". The leucine amino acid residue is found in multiple mammalian species, which suggests that this missense change does not adversely affect protein function. In summary, the available evidence is currently insufficient to determine the role of this variant in disease. Therefore, it has been classified as a Variant of Uncertain Significance.

NM_001792.5(CDH2):c.1555T>C (p.Phe519Leu)

Gene: CDH2 (cadherin 2; minus strand). Cytogenetic location: 18q12.1.
Variant type: single nucleotide variant.
Coding change: c.1555T>C on transcript NM_001792.5 (MANE Select); coding-DNA position 1555, T replaced by C.
Protein change: p.Phe519Leu; replaces phenylalanine 519 with leucine.
Molecular consequence: missense variant.
Genome position (GRCh38, 1-based): chr18:27,990,140, A>G on the plus strand (T>C on the coding strand, the complement: CDH2 is on the minus strand). VCF-style: chr18-27990140-A-G. GRCh37 (hg19) VCF-style: chr18-25570104-A-G.
Other names: c.1462T>C, p.Phe488Leu (NM_001308176.2); short protein forms F488L, F519L.
Identifiers: ClinVar variation 1418894 (VCV001418894.6), dbSNP rs771020355, ClinGen allele CA8923366.